The following is an entry in ClinVar:

NM_020975.6(RET):c.2501A>C (p.Asn834Thr)

Gene: RET (ret proto-oncogene; plus strand). Cytogenetic location: 10q11.21.
Variant type: single nucleotide variant.
Coding change: c.2501A>C on transcript NM_020975.6 (MANE Select); coding-DNA position 2501, A replaced by C.
Protein change: p.Asn834Thr; replaces asparagine 834 with threonine.
Molecular consequence: missense variant.
Genome position (GRCh38, 1-based): chr10:43,119,639, A>C. VCF-style: chr10-43119639-A-C. GRCh37 (hg19) VCF-style: chr10-43615087-A-C.
Other names: c.2501A>C, p.Asn834Thr (NM_000323.2, NM_001406743.1, NM_001406744.1 and 4 more transcripts); c.1739A>C, p.Asn580Thr (NM_001355216.2); c.2372A>C, p.Asn791Thr (NM_001406761.1, NM_001406762.1, NM_001406764.1); c.2366A>C, p.Asn789Thr (NM_001406763.1, NM_001406765.1); c.2213A>C, p.Asn738Thr (NM_001406766.1, NM_001406767.1, NM_001406770.1); c.2237A>C, p.Asn746Thr (NM_001406768.1); c.2105A>C, p.Asn702Thr (NM_001406769.1, NM_001406772.1); c.2063A>C, p.Asn688Thr (NM_001406771.1, NM_001406773.1); and 10 more; short protein forms N351T, N399T, N439T, N490T, N492T, N495T, N504T, N535T.
Identifiers: ClinVar variation 3074327 (VCV003074327.1), dbSNP rs147433153, ClinGen allele CA206266614.

ClinVar aggregate classification (germline): Uncertain significance (1 of 4 stars; one submission).

Conditions:
Multiple endocrine neoplasia, type 2 (MEN2). Identifiers: Orphanet 653, MedGen C4048306, MONDO:0019003. Disease mechanism: gain of function.

Submission:

All of Us Research Program, National Institutes of Health
Classification: Uncertain significance for Multiple endocrine neoplasia, type 2. Last evaluated: 2023-11-02. Review status: criteria provided, single submitter. Criteria: ACMG Guidelines, 2015. Collection method: clinical testing. Allele origin: germline. Inheritance: Autosomal dominant inheritance. Observed: 1 variant allele, 1 heterozygote.
Comment: This missense variant replaces asparagine with threonine at codon 834 of the RET protein. Computational prediction suggests that this variant may not impact protein structure and function (internally defined REVEL score threshold <= 0.5, PMID: 27666373). To our knowledge, functional studies have not been reported for this variant. This variant has not been reported in individuals affected with RET-related disorders in the literature. This variant has not been identified in the general population by the Genome Aggregation Database (gnomAD). The available evidence is insufficient to determine the role of this variant in disease conclusively. Therefore, this variant is classified as a Variant of Uncertain Significance.

This study involves interpretation of variants in research participants for the purpose of population health screening. Participant phenotype was not available at the time of variant classification. Additional details can be found in publication PMID: 35346344, PMCID: PMC8962531